The following is an entry in ClinVar:

ClinVar aggregate classification (germline): Uncertain significance. Review status: criteria provided, multiple submitters, no conflicts (2 of 4 stars). 2 submissions from 2 submitters: Uncertain significance (2). Last evaluated 2024-06-13.

Conditions:
Hereditary cancer-predisposing syndrome. Also called: Neoplastic Syndromes, Hereditary; Tumor predisposition; Hereditary Cancer Syndrome; Hereditary neoplastic syndrome. Identifiers: Orphanet 140162, MedGen C0027672, MeSH D009386, MONDO:0015356.

Submissions (2):

Ambry Genetics
Classification: Uncertain significance for Hereditary cancer-predisposing syndrome. Last evaluated: 2024-06-13. Review status: criteria provided, single submitter. Criteria: Ambry Variant Classification Scheme 2023. Collection method: clinical testing. Allele origin: germline.
Comment: The p.V604A variant (also known as c.1811T>C), located in coding exon 14 of the BAP1 gene, results from a T to C substitution at nucleotide position 1811. The valine at codon 604 is replaced by alanine, an amino acid with similar properties. This amino acid position is conserved. In addition, this alteration is predicted to be tolerated by in silico analysis. Based on the available evidence, the clinical significance of this variant remains unclear.

Color Diagnostics, LLC DBA Color Health
Classification: Uncertain significance for Hereditary cancer-predisposing syndrome. Last evaluated: 2022-12-24. Review status: criteria provided, single submitter. Criteria: ACMG Guidelines, 2015. Collection method: clinical testing. Allele origin: germline.
Comment: This missense variant replaces valine with alanine at codon 604 of the BAP1 protein. Computational prediction suggests that this variant may not impact protein structure and function (internally defined REVEL score threshold <= 0.5, PMID: 27666373). To our knowledge, functional studies have not been reported for this variant. This variant has not been reported in individuals affected with BAP1-related disorders in the literature. This variant has not been identified in the general population by the Genome Aggregation Database (gnomAD). The available evidence is insufficient to determine the role of this variant in disease conclusively. Therefore, this variant is classified as a Variant of Uncertain Significance.

NM_004656.4(BAP1):c.1811T>C (p.Val604Ala)

Gene: BAP1 (BRCA1 associated deubiquitinase 1; minus strand). Cytogenetic location: 3p21.1.
Variant type: single nucleotide variant.
Coding change: c.1811T>C on transcript NM_004656.4 (MANE Select); coding-DNA position 1811, T replaced by C.
Protein change: p.Val604Ala; replaces valine 604 with alanine.
Molecular consequence: missense variant.
Genome position (GRCh38, 1-based): chr3:52,403,217, A>G on the plus strand (T>C on the coding strand, the complement: BAP1 is on the minus strand). VCF-style: chr3-52403217-A-G. GRCh37 (hg19) VCF-style: chr3-52437233-A-G.
Other names: c.1757T>C, p.Val586Ala (NM_001410772.1); short protein forms V586A, V604A.
Identifiers: ClinVar variation 2774741 (VCV002774741.3), dbSNP rs1578219719, ClinGen allele CA353098620.